The following is an entry in ClinVar:

ClinVar aggregate classification (germline): Uncertain significance. Review status: criteria provided, multiple submitters, no conflicts (2 of 4 stars). 3 submissions from 3 submitters: Uncertain significance (2). 1 of the submissions does not count toward it. Last evaluated 2025-11-06.

Conditions:
Tuberous sclerosis syndrome (TSC). Also called: Tuberous Sclerosis Complex; Tuberous sclerosis. Identifiers: Orphanet 805, MedGen C0041341, MONDO:0001734.
Tuberous sclerosis 2 (TSC2). Identifiers: Orphanet 805, MedGen C1860707, MONDO:0013199, OMIM 613254.
Hereditary cancer-predisposing syndrome. Also called: Neoplastic Syndromes, Hereditary; Tumor predisposition; Hereditary Cancer Syndrome; Hereditary neoplastic syndrome. Identifiers: Orphanet 140162, MedGen C0027672, MeSH D009386, MONDO:0015356.

Submissions (3):

Ambry Genetics
Classification: Uncertain significance for Hereditary cancer-predisposing syndrome. Last evaluated: 2025-11-06. Review status: criteria provided, single submitter. Criteria: Ambry Variant Classification Scheme 2023. Collection method: clinical testing. Allele origin: germline.
Comment: The p.A161V variant (also known as c.482C>T) is located in coding exon 5 of the TSC2 gene. The alanine at codon 161 is replaced by valine, an amino acid with similar properties. This change occurs in the first base pair of coding exon 5. This amino acid position is highly conserved in available vertebrate species. In addition, the in silico prediction for this alteration is inconclusive. Based on the available evidence, the clinical significance of this variant remains unclear.

Labcorp Genetics (formerly Invitae), Labcorp
Classification: Uncertain significance for Tuberous sclerosis 2. Last evaluated: 2020-03-05. Review status: criteria provided, single submitter. Criteria: Invitae Variant Classification Sherloc (09022015). Collection method: clinical testing. Allele origin: germline.
Comment: This sequence change replaces alanine with valine at codon 161 of the TSC2 protein (p.Ala161Val). The alanine residue is moderately conserved and there is a small physicochemical difference between alanine and valine. This variant is not present in population databases (ExAC no frequency). In summary, the available evidence is currently insufficient to determine the role of this variant in disease. Therefore, it has been classified as a Variant of Uncertain Significance. Algorithms developed to predict the effect of missense changes on protein structure and function are either unavailable or do not agree on the potential impact of this missense change (SIFT: "Deleterious"; PolyPhen-2: "Probably Damaging"; Align-GVGD: "Class C0"). This variant has been reported in individuals in the Leiden Open-source Variation Database (PMID: 21520333). ClinVar contains an entry for this variant (Variation ID: 49324).

Tuberous sclerosis database (TSC2)
No classification provided. Condition: TSC. Review status: no classification provided. Criteria: Tuberous Sclerosis Database Assertion Criteria 2015. Collection method: curation. Allele origin: germline. Affected: yes. Not counted in ClinVar's aggregate classification.

Literature cited by the submitters: PubMed 21520333 (cited by Labcorp Genetics (formerly Invitae), Labcorp).

NM_000548.5(TSC2):c.482C>T (p.Ala161Val)

Gene: TSC2 (TSC complex subunit 2; plus strand). Cytogenetic location: 16p13.3.
Variant type: single nucleotide variant.
Coding change: c.482C>T on transcript NM_000548.5 (MANE Select); coding-DNA position 482, C replaced by T.
Protein change: p.Ala161Val; replaces alanine 161 with valine.
Molecular consequence: missense variant. On other transcripts: intron variant (1).
Genome position (GRCh38, 1-based): chr16:2,055,402, C>T. VCF-style: chr16-2055402-C-T. GRCh37 (hg19) VCF-style: chr16-2105403-C-T.
Other names: c.482C>T, p.Ala161Val (NM_001077183.3, NM_001114382.3, NM_001363528.2 and 3 more transcripts); c.371C>T, p.Ala124Val (NM_001318827.2); c.335C>T, p.Ala112Val (NM_001318829.2); c.515C>T, p.Ala172Val (NM_001318832.2); c.-1-794C>T (NM_001318831.2); short protein forms A161V, A112V, A172V, A124V.
Identifiers: ClinVar variation 49324 (VCV000049324.11), dbSNP rs45481496, ClinGen allele CA021073.